The following is an entry in ClinVar:

NM_000540.3(RYR1):c.3388C>T (p.Arg1130Cys)

Gene: RYR1 (ryanodine receptor 1; plus strand). Cytogenetic location: 19q13.2.
Variant type: single nucleotide variant.
Coding change: c.3388C>T on transcript NM_000540.3 (MANE Select); coding-DNA position 3388, C replaced by T.
Protein change: p.Arg1130Cys; replaces arginine 1130 with cysteine.
Molecular consequence: missense variant.
Genome position (GRCh38, 1-based): chr19:38,468,972, C>T. VCF-style: chr19-38468972-C-T. GRCh37 (hg19) VCF-style: chr19-38959612-C-T.
Other names: c.3388C>T, p.Arg1130Cys (NM_001042723.2); short protein forms R1130C.
Identifiers: ClinVar variation 1001618 (VCV001001618.7), dbSNP rs746543447, ClinGen allele CA064790.
Genomic context (GRCh38, chr19:38,468,972, plus strand): 5'-CTCCATTTCTCTGTGTGTCTCCCCACACCATGTCTTCTCTGGCTGTCCTCACAGGGCCAG[C>T]GCTGGCACTTGGGCAGTGAACCATTTGGGCGCCCCTGGCAGCCGGGCGATGTCGTTGGCT-3'
Protein context (NP_000531.2, residues 1120-1140): AYVFNGHRGQ[Arg1130Cys]WHLGSEPFGR

ClinVar aggregate classification (germline): Uncertain significance. Review status: criteria provided, multiple submitters, no conflicts (2 of 4 stars). 2 submissions from 2 submitters: Uncertain significance (2). Last evaluated 2025-06-17.

Conditions:
Malignant hyperthermia, susceptibility to, 1 (MHS1). Also called: RYR1-Related Malignant Hyperthermia Susceptibility; Anesthesia related hyperthermia; Malignant hyperpyrexia; Fulminating hyperpyrexia; Pharmacogenic myopathy; Malignant hyperthermia suceptibility 1. Identifiers: Orphanet 423, MedGen C2930980, MONDO:0007783, OMIM 145600.
RYR1-related disorder. Also called: RYR1-related disorders; RYR1-related condition. Identifiers: MedGen CN239331.

Allele frequency attached by ClinVar (database versions not stated): TOPMed below 0.00001; ExAC 0.00001; gnomAD exomes 0.00001 and 0.00002.
gnomAD v4.1: 9 of 1,614,128 alleles (0.00056%); highest among the groups gnomAD compares: Admixed American, 0.0017%; no homozygotes.

Submissions (2):

Color Diagnostics, LLC DBA Color Health
Classification: Uncertain significance for Malignant hyperthermia, susceptibility to, 1. Last evaluated: 2025-06-17. Review status: criteria provided, single submitter. Criteria: ACMG Guidelines, 2015. Collection method: clinical testing. Allele origin: germline.
Comment: This missense variant replaces arginine with cysteine at codon 1130 of the RYR1 protein. Computational prediction is inconclusive regarding the impact of this variant on protein structure and function. To our knowledge, functional studies have not been reported for this variant. This variant has not been reported in individuals affected with RYR1-related disorders in the literature. This variant has been identified in 4/251306 chromosomes in the general population by the Genome Aggregation Database (gnomAD). The available evidence is insufficient to determine the role of this variant in disease conclusively. Therefore, this variant is classified as a Variant of Uncertain Significance.

Labcorp Genetics (formerly Invitae), Labcorp
Classification: Uncertain significance for RYR1-related disorder. Last evaluated: 2021-08-24. Review status: criteria provided, single submitter. Criteria: Invitae Variant Classification Sherloc (09022015). Collection method: clinical testing. Allele origin: germline.
Comment: This sequence change replaces arginine with cysteine at codon 1130 of the RYR1 protein (p.Arg1130Cys). The arginine residue is highly conserved and there is a large physicochemical difference between arginine and cysteine. This variant is present in population databases (rs746543447, ExAC 0.002%). This variant has not been reported in the literature in individuals affected with RYR1-related conditions. Advanced modeling of protein sequence and biophysical properties (such as structural, functional, and spatial information, amino acid conservation, physicochemical variation, residue mobility, and thermodynamic stability) performed at Invitae indicates that this missense variant is not expected to disrupt RYR1 protein function. In summary, the available evidence is currently insufficient to determine the role of this variant in disease. Therefore, it has been classified as a Variant of Uncertain Significance.